The following is an entry in ClinVar:

ClinVar aggregate classification (germline): Likely benign. Review status: criteria provided, multiple submitters, no conflicts (2 of 4 stars). 3 submissions from 3 submitters: Likely benign (3). Last evaluated 2026-01-08.

Conditions:
LRP5-related disorder. Also called: LRP5-related condition.

Allele frequency attached by ClinVar (database versions not stated): gnomAD 0.00001; TOPMed 0.00003; ExAC 0.00005; gnomAD exomes 0.00005; ESP Exome Variant Server 0.00008.
gnomAD v4.1: 21 of 1,614,066 alleles (0.0013%); highest among the groups gnomAD compares: Admixed American, 0.022%; no homozygotes.

Submissions (3):

Labcorp Genetics (formerly Invitae), Labcorp
Classification: Likely benign. Last evaluated: 2026-01-08. Review status: criteria provided, single submitter. Criteria: Invitae Variant Classification Sherloc (09022015). Collection method: clinical testing. Allele origin: germline.

PreventionGenetics, part of Exact Sciences
Classification: Likely benign for LRP5-related condition. Last evaluated: 2025-10-23. Review status: criteria provided, single submitter. Criteria: ACMG Guidelines, 2015. Collection method: clinical testing. Allele origin: germline.
Comment: This variant is classified as likely benign based on ACMG/AMP sequence variant interpretation guidelines (Richards et al. 2015 PMID: 25741868, with internal and published modifications).

Blueprint Genetics
Classification: Likely benign. Last evaluated: 2024-08-20. Review status: criteria provided, single submitter. Criteria: ACMG Guidelines, 2015. Collection method: clinical testing. Allele origin: germline.

NM_002335.4(LRP5):c.1995C>T (p.Asn665=)

Gene: LRP5 (LDL receptor related protein 5; plus strand). Cytogenetic location: 11q13.2.
Variant type: single nucleotide variant.
Coding change: c.1995C>T on transcript NM_002335.4 (MANE Select); coding-DNA position 1995, C replaced by T.
Protein change: p.Asn665=; no amino-acid change (asparagine 665 retained).
Molecular consequence: synonymous variant.
Genome position (GRCh38, 1-based): chr11:68,406,717, C>T. VCF-style: chr11-68406717-C-T. GRCh37 (hg19) VCF-style: chr11-68174185-C-T.
Other names: c.1995C>T (NM_002335.3); c.252C>T, p.Asn84= (NM_001291902.2).
Identifiers: ClinVar variation 1160001 (VCV001160001.11), dbSNP rs150471658, ClinGen allele CA6149502.